The following is an entry in ClinVar:

NM_006493.4(CLN5):c.833del (p.Pro278fs)

Gene: CLN5 (CLN5 lysosomal BMP synthase; plus strand). Cytogenetic location: 13q22.3.
Variant type: Deletion.
Coding change: c.833del on transcript NM_006493.4 (MANE Select); coding-DNA position 833, one base deleted (C; older notation c.833delC).
Protein change: p.Pro278fs; shifts the reading frame from proline 278.
Molecular consequence: frameshift variant. On other transcripts: 3 prime UTR variant (1).
Genome position (GRCh38, 1-based): chr13:77,000,725, C deleted; the last of 2 consecutive C bases (chr13:77,000,724-77,000,725); deleting either gives the same sequence. VCF-style (leftmost placement, unchanged base first): chr13-77000723-GC-G. GRCh37 (hg19) VCF-style: chr13-77574858-GC-G.
Other names: c.*282del (NM_001366624.2); short protein forms P278fs.
Identifiers: ClinVar variation 3638388 (VCV003638388.2).
Genomic context (GRCh38, chr13:77,000,723, plus strand): 5'-AAGAATATTTCTTTACAGTGGAGAACCTACTTATCTGGGAAATGAAACATCTGTTTTTGG[GC>G]CAACAGGAAACAAGACTCTTGGTTTAGCCATAAAAAGATTTTATTACCCCTTCAAACCAC-3'

ClinVar aggregate classification (germline): Pathogenic (1 of 4 stars; one submission).

Conditions:
Neuronal ceroid lipofuscinosis. Also called: Neuronal Ceroid Lipofuscinoses. Identifiers: Orphanet 216, Orphanet 79263, MedGen C0027877, MONDO:0016295. Disease mechanism: loss of function.

Submission:

Labcorp Genetics (formerly Invitae), Labcorp
Classification: Pathogenic for Neuronal ceroid lipofuscinosis. Last evaluated: 2024-02-12. Review status: criteria provided, single submitter. Criteria: Invitae Variant Classification Sherloc (09022015). Collection method: clinical testing. Allele origin: germline.
Comment: This sequence change creates a premature translational stop signal (p.Pro327Glnfs*9) in the CLN5 gene. While this is not anticipated to result in nonsense mediated decay, it is expected to disrupt the last 81 amino acid(s) of the CLN5 protein. This variant is not present in population databases (gnomAD no frequency). This variant has not been reported in the literature in individuals affected with CLN5-related conditions. This variant disrupts a region of the CLN5 protein in which other variant(s) (p.Tyr392*) have been determined to be pathogenic (PMID: 9662406; Invitae). This suggests that this is a clinically significant region of the protein, and that variants that disrupt it are likely to be disease-causing. For these reasons, this variant has been classified as Pathogenic.

Literature cited by the submitters: PubMed 9662406.